The following is an entry in ClinVar:

ClinVar aggregate classification (germline): Conflicting classifications of pathogenicity. Review status: criteria provided, conflicting classifications (1 of 4 stars). 2 submissions from 2 submitters: Likely pathogenic (1); Uncertain significance (1). Last evaluated 2022-11-03.

Conditions:
RMRP-related disorder. Also called: RMRP-related condition.
Anauxetic dysplasia. Identifiers: Orphanet 93347, MedGen C1846796, MONDO:0011773.

Allele frequency attached by ClinVar (database versions not stated): TOPMed 0.00004.
gnomAD v4.1: 19 of 692,142 alleles (0.0027%); highest among the groups gnomAD compares: Non-Finnish European, 0.0049%; no homozygotes.

Submissions (2):

Blueprint Genetics
Classification: Likely pathogenic for RMRP-related disorders. Last evaluated: 2022-11-03. Review status: criteria provided, single submitter. Criteria: ACMG Guidelines, 2015. Collection method: clinical testing. Allele origin: germline. Affected: yes. Observed: 3 variant alleles.

Labcorp Genetics (formerly Invitae), Labcorp
Classification: Uncertain significance for Anauxetic dysplasia. Last evaluated: 2022-10-22. Review status: criteria provided, single submitter. Criteria: Invitae Variant Classification Sherloc (09022015). Collection method: clinical testing. Allele origin: germline.
Comment: This variant occurs in the RMRP gene, which encodes an RNA molecule that does not result in a protein product. This variant is present in population databases (no rsID available, gnomAD 0.008%). This variant has been observed in individual(s) with cartilage-hair hypoplasia anauxetic dysplasia spectrum disorders (PMID: 12107819). This variant is also known as 214T. Experimental studies and prediction algorithms are not available or were not evaluated, and the functional significance of this variant is currently unknown. In summary, the available evidence is currently insufficient to determine the role of this variant in disease. Therefore, it has been classified as a Variant of Uncertain Significance.

Literature cited by the submitters: PubMed 12107819 (cited by Labcorp Genetics (formerly Invitae), Labcorp).

NC_000009.12:g.35657804T>A

Gene: RMRP (RNA component of mitochondrial RNA processing endoribonuclease; minus strand). Cytogenetic location: 9p13.3.
Variant type: single nucleotide variant.
Genome position: GRCh38 VCF-style: chr9-35657804-T-A. GRCh37 (hg19) VCF-style: chr9-35657801-T-A.
Identifiers: ClinVar variation 2078709 (VCV002078709.2), dbSNP rs886041234, ClinGen allele CA464450496.
Genomic context (GRCh38, chr9:35,657,804, plus strand): 5'-ACAAAAAACAGCCGCGCTGAGAATGAGCCCCGTGTGGTTGGTGCGCGGACACGCACTGCC[T>A]GCGTAACTAGAGGGAGCTGACGGATGACGCCCCCGCGCCACGCCGCTCAGCGGGATACGC-3'